The following is an entry in ClinVar:

NM_001256789.3(CACNA1F):c.3053G>C (p.Cys1018Ser)

Gene: CACNA1F (calcium voltage-gated channel subunit alpha1 F; minus strand). Cytogenetic location: Xp11.23.
Variant type: single nucleotide variant.
Coding change: c.3053G>C on transcript NM_001256789.3 (MANE Select); coding-DNA position 3053, G replaced by C.
Protein change: p.Cys1018Ser; replaces cysteine 1018 with serine.
Molecular consequence: missense variant.
Genome position (GRCh38, 1-based): chrX:49,217,791, C>G on the plus strand (G>C on the coding strand, the complement: CACNA1F is on the minus strand). VCF-style: chrX-49217791-C-G. GRCh37 (hg19) VCF-style: chrX-49074250-C-G.
Other names: c.2891G>C, p.Cys964Ser (NM_001256790.3); c.3086G>C, p.Cys1029Ser (NM_005183.4); short protein forms C1018S, C1029S, C964S.
Identifiers: ClinVar variation 3652841 (VCV003652841.2).

ClinVar aggregate classification (germline): Uncertain significance (1 of 4 stars; one submission).

Submission:

Labcorp Genetics (formerly Invitae), Labcorp
Classification: Uncertain significance. Last evaluated: 2024-05-09. Review status: criteria provided, single submitter. Criteria: Invitae Variant Classification Sherloc (09022015). Collection method: clinical testing. Allele origin: germline.
Comment: This sequence change replaces cysteine, which is neutral and slightly polar, with serine, which is neutral and polar, at codon 1029 of the CACNA1F protein (p.Cys1029Ser). This variant is not present in population databases (gnomAD no frequency). This variant has not been reported in the literature in individuals affected with CACNA1F-related conditions. Advanced modeling of protein sequence and biophysical properties (such as structural, functional, and spatial information, amino acid conservation, physicochemical variation, residue mobility, and thermodynamic stability) performed at Invitae indicates that this missense variant is expected to disrupt CACNA1F protein function with a positive predictive value of 80%. In summary, the available evidence is currently insufficient to determine the role of this variant in disease. Therefore, it has been classified as a Variant of Uncertain Significance.